The following is an entry in ClinVar:

NM_005327.7(HADH):c.757G>A (p.Gly253Ser)

Gene: HADH (hydroxyacyl-CoA dehydrogenase; plus strand). Cytogenetic location: 4q25.
Variant type: single nucleotide variant.
Coding change: c.757G>A on transcript NM_005327.7 (MANE Select); coding-DNA position 757, G replaced by A.
Protein change: p.Gly253Ser; replaces glycine 253 with serine.
Molecular consequence: missense variant.
Genome position (GRCh38, 1-based): chr4:108,033,223, G>A. VCF-style: chr4-108033223-G-A. GRCh37 (hg19) VCF-style: chr4-108954379-G-A.
Other names: c.808G>A, p.Gly270Ser (NM_001184705.4); c.769G>A, p.Gly257Ser (NM_001331027.2); short protein forms G257S, G270S, G253S.
Identifiers: ClinVar variation 1460726 (VCV001460726.5), dbSNP rs749276908, ClinGen allele CA3037621.

ClinVar aggregate classification (germline): Uncertain significance (1 of 4 stars; one submission).

Conditions:
Deficiency of 3-hydroxyacyl-CoA dehydrogenase. Also called: 3-hydroxyacyl-CoA dehydrogenase deficiency; HADH DEFICIENCY. Identifiers: Orphanet 309127, Orphanet 71212, MedGen C1291230, MONDO:0017715, OMIM 231530.

Allele frequency attached by ClinVar (database versions not stated): gnomAD exomes 0.00001; ExAC 0.00002; gnomAD 0.00002; TOPMed 0.00003.
gnomAD v4.1: 18 of 1,610,986 alleles (0.0011%); highest among the groups gnomAD compares: Admixed American, 0.0033%; no homozygotes.

Submission:

Labcorp Genetics (formerly Invitae), Labcorp
Classification: Uncertain significance for Deficiency of 3-hydroxyacyl-CoA dehydrogenase. Last evaluated: 2021-08-26. Review status: criteria provided, single submitter. Criteria: Invitae Variant Classification Sherloc (09022015). Collection method: clinical testing. Allele origin: germline.
Comment: This sequence change replaces glycine with serine at codon 253 of the HADH protein (p.Gly253Ser). The glycine residue is highly conserved and there is a small physicochemical difference between glycine and serine. This variant is present in population databases (rs749276908, ExAC 0.009%). This variant has not been reported in the literature in individuals affected with HADH-related conditions. Algorithms developed to predict the effect of missense changes on protein structure and function (SIFT, PolyPhen-2, Align-GVGD) all suggest that this variant is likely to be disruptive. In summary, the available evidence is currently insufficient to determine the role of this variant in disease. Therefore, it has been classified as a Variant of Uncertain Significance.